The following is an entry in ClinVar:

ClinVar aggregate classification (germline): Uncertain significance (1 of 4 stars; one submission).

Allele frequency attached by ClinVar (database versions not stated): gnomAD exomes below 0.00001; gnomAD 0.00002; TOPMed 0.00003.

Submission:

Labcorp Genetics (formerly Invitae), Labcorp
Classification: Uncertain significance. Last evaluated: 2024-04-05. Review status: criteria provided, single submitter. Criteria: Invitae Variant Classification Sherloc (09022015). Collection method: clinical testing. Allele origin: germline.
Comment: This sequence change replaces methionine, which is neutral and non-polar, with valine, which is neutral and non-polar, at codon 1054 of the ZSWIM6 protein (p.Met1054Val). This variant is not present in population databases (gnomAD no frequency). This variant has not been reported in the literature in individuals affected with ZSWIM6-related conditions. Advanced modeling of protein sequence and biophysical properties (such as structural, functional, and spatial information, amino acid conservation, physicochemical variation, residue mobility, and thermodynamic stability) performed at Invitae indicates that this missense variant is not expected to disrupt ZSWIM6 protein function with a negative predictive value of 80%. In summary, the available evidence is currently insufficient to determine the role of this variant in disease. Therefore, it has been classified as a Variant of Uncertain Significance.

NM_020928.2(ZSWIM6):c.3160A>G (p.Met1054Val)

Gene: ZSWIM6 (zinc finger SWIM-type containing 6; plus strand). Cytogenetic location: 5q12.1.
Variant type: single nucleotide variant.
Coding change: c.3160A>G on transcript NM_020928.2 (MANE Select); coding-DNA position 3160, A replaced by G.
Protein change: p.Met1054Val; replaces methionine 1054 with valine.
Molecular consequence: missense variant.
Genome position (GRCh38, 1-based): chr5:61,543,829, A>G. VCF-style: chr5-61543829-A-G. GRCh37 (hg19) VCF-style: chr5-60839656-A-G.
Other names: short protein forms M1054V.
Identifiers: ClinVar variation 2998056 (VCV002998056.3), dbSNP rs1176332509, ClinGen allele CA359946986.